The following is an entry in ClinVar:

ClinVar aggregate classification (germline): Likely pathogenic. Review status: criteria provided, multiple submitters, no conflicts (2 of 4 stars). 2 submissions from 2 submitters: Likely pathogenic (2). Last evaluated 2024-10-31.

Conditions:
Charlevoix-Saguenay spastic ataxia (SACS). Also called: Spastic ataxia of Charlevoix-Saguenay; SPASTIC ATAXIA 6, AUTOSOMAL RECESSIVE; AUTOSOMAL RECESSIVE SPASTIC ATAXIA OF CHARLEVOIX-SAGUENAY. Identifiers: Orphanet 98, MedGen C1849140, MONDO:0010041, OMIM 270550.

Submissions (2):

Natera, Inc.
Classification: Likely pathogenic for Charlevoix-Saguenay type spastic ataxia. Last evaluated: 2024-10-31. Review status: criteria provided, single submitter. Criteria: Natera Variant Classification Schema (03/2026). Collection method: clinical testing. Allele origin: germline.
Comment: The c.9851del variant in SACS is a frameshift variant predicted to shift the reading frame beginning at codon 3284 and leads to a stop codon 41 codons downstream. This variant is expected to result in nonsense mediated decay, truncation, or a dysfunctional protein product. This variant is rare in the general population with a frequency below the threshold expected for the associated phenotype(s). Given the available evidence, this variant is classified as Likely Pathogenic.

Baylor Genetics
Classification: Likely pathogenic for Charlevoix-Saguenay spastic ataxia. Last evaluated: 2022-03-31. Review status: criteria provided, single submitter. Criteria: ACMG Guidelines, 2015. Collection method: clinical testing. Allele origin: unknown.

NM_014363.6(SACS):c.9851del (p.Thr3284fs)

Gene: SACS (sacsin molecular chaperone; minus strand). Cytogenetic location: 13q12.12.
Variant type: Deletion.
Coding change: c.9851del on transcript NM_014363.6 (MANE Select); coding-DNA position 9851, one base deleted (C; older notation c.9851delC).
Protein change: p.Thr3284fs; shifts the reading frame from threonine 3284.
Molecular consequence: frameshift variant.
Genome position (GRCh38, 1-based): chr13:23,334,025, G deleted on the plus strand (C on the coding strand, the reverse complement: SACS is on the minus strand). VCF-style (leftmost placement, unchanged base first): chr13-23334024-TG-T. GRCh37 (hg19) VCF-style: chr13-23908163-TG-T.
Other names: c.9410del, p.Thr3137fs (NM_001278055.2); c.9851del (NM_014363.5); short protein forms T3137fs, T3284fs.
Identifiers: ClinVar variation 2678584 (VCV002678584.2), dbSNP rs2542193751, ClinGen allele CA2695199213.